The following is an entry in ClinVar:

ClinVar aggregate classification (germline): Uncertain significance. Review status: criteria provided, single submitter (1 of 4 stars). 2 submissions from 2 submitters: Uncertain significance (1). 1 of the submissions does not count toward it. Last evaluated 2025-09-26.

Conditions:
LAMC1-related disorder. Also called: LAMC1-related condition.

Allele frequency attached by ClinVar (database versions not stated): 1000 Genomes Project 0.00040; 1000 Genomes Project 30x 0.00031; ESP Exome Variant Server 0.00077.
gnomAD v4.1: 196 of 1,608,952 alleles (0.012%); highest among the groups gnomAD compares: African/African-American, 0.21%; 1 homozygote.

Submissions (2):

Ambry Genetics
Classification: Uncertain significance. Last evaluated: 2025-09-26. Review status: criteria provided, single submitter. Criteria: Ambry Variant Classification Scheme 2023. Collection method: clinical testing. Allele origin: germline.

PreventionGenetics, part of Exact Sciences
Classification: Likely benign for LAMC1-related condition. Last evaluated: 2022-05-17. Review status: no assertion criteria provided. Collection method: clinical testing. Allele origin: germline. Not counted in ClinVar's aggregate classification.
Comment: This variant is classified as likely benign based on ACMG/AMP sequence variant interpretation guidelines (Richards et al. 2015 PMID: 25741868, with internal and published modifications).

NM_002293.4(LAMC1):c.1580G>T (p.Arg527Leu)

Gene: LAMC1 (laminin subunit gamma 1; plus strand). Cytogenetic location: 1q25.3.
Variant type: single nucleotide variant.
Coding change: c.1580G>T on transcript NM_002293.4 (MANE Select); coding-DNA position 1580, G replaced by T.
Protein change: p.Arg527Leu; replaces arginine 527 with leucine.
Molecular consequence: missense variant.
Genome position (GRCh38, 1-based): chr1:183,117,335, G>T. VCF-style: chr1-183117335-G-T. GRCh37 (hg19) VCF-style: chr1-183086470-G-T.
Other names: short protein forms R527L.
Identifiers: ClinVar variation 3047446 (VCV003047446.3), dbSNP rs148393996, ClinGen allele CA1281151.